The following is an entry in ClinVar:

ClinVar aggregate classification (germline): Uncertain significance (1 of 4 stars; one submission).

Conditions:
Pontocerebellar hypoplasia type 1A (PCH1A). Also called: PONTOCEREBELLAR HYPOPLASIA WITH ANTERIOR HORN CELL DISEASE; PONTOCEREBELLAR HYPOPLASIA WITH INFANTILE SPINAL MUSCULAR ATROPHY. Identifiers: Orphanet 2254, Orphanet 88616, MedGen C1843504, MONDO:0011866, OMIM 607596.

Submission:

Labcorp Genetics (formerly Invitae), Labcorp
Classification: Uncertain significance for Pontocerebellar hypoplasia type 1A. Last evaluated: 2021-01-11. Review status: criteria provided, single submitter. Criteria: Invitae Variant Classification Sherloc (09022015). Collection method: clinical testing. Allele origin: germline.
Comment: This sequence change replaces leucine with arginine at codon 324 of the VRK1 protein (p.Leu324Arg). The leucine residue is highly conserved and there is a moderate physicochemical difference between leucine and arginine. In summary, the available evidence is currently insufficient to determine the role of this variant in disease. Therefore, it has been classified as a Variant of Uncertain Significance. Algorithms developed to predict the effect of missense changes on protein structure and function (SIFT, PolyPhen-2, Align-GVGD) all suggest that this variant is likely to be disruptive, but these predictions have not been confirmed by published functional studies and their clinical significance is uncertain. This variant has not been reported in the literature in individuals with VRK1-related conditions. This variant is not present in population databases (ExAC no frequency).

NM_003384.3(VRK1):c.971T>G (p.Leu324Arg)

Gene: VRK1 (VRK serine/threonine kinase 1; plus strand). Cytogenetic location: 14q32.2.
Variant type: single nucleotide variant.
Coding change: c.971T>G on transcript NM_003384.3 (MANE Select); coding-DNA position 971, T replaced by G.
Protein change: p.Leu324Arg; replaces leucine 324 with arginine.
Molecular consequence: missense variant.
Genome position (GRCh38, 1-based): chr14:96,860,638, T>G. VCF-style: chr14-96860638-T-G. GRCh37 (hg19) VCF-style: chr14-97326975-T-G.
Other names: short protein forms L324R.
Identifiers: ClinVar variation 1403095 (VCV001403095.9), dbSNP rs2139814873, ClinGen allele CA390932119.